The following is an entry in ClinVar:

NM_000038.6(APC):c.841A>C (p.Thr281Pro)

Gene: APC (APC regulator of Wnt signaling pathway; plus strand). Cytogenetic location: 5q22.2.
Variant type: single nucleotide variant.
Coding change: c.841A>C on transcript NM_000038.6 (MANE Select); coding-DNA position 841, A replaced by C.
Protein change: p.Thr281Pro; replaces threonine 281 with proline.
Molecular consequence: missense variant. On other transcripts: 5 prime UTR variant (1).
Genome position (GRCh38, 1-based): chr5:112,815,501, A>C. VCF-style: chr5-112815501-A-C. GRCh37 (hg19) VCF-style: chr5-112151198-A-C.
Other names: c.841A>C, p.Thr281Pro (NM_001127510.3, NM_001354895.2, NM_001354896.2 and 1 more transcripts); c.787A>C, p.Thr263Pro (NM_001127511.3); c.871A>C, p.Thr291Pro (NM_001354897.2, NM_001354902.2); c.766A>C, p.Thr256Pro (NM_001354898.2, NM_001354904.2); c.757A>C, p.Thr253Pro (NM_001354899.2); c.664A>C, p.Thr222Pro (NM_001354900.2, NM_001354901.2, NM_001354905.2); c.-9A>C (NM_001354906.2); short protein forms T256P, T222P, T263P, T281P, T291P, T253P.
Identifiers: ClinVar variation 643589 (VCV000643589.15), dbSNP rs769727966, ClinGen allele CA16023162.

ClinVar aggregate classification (germline): Uncertain significance. Review status: criteria provided, multiple submitters, no conflicts (2 of 4 stars). 4 submissions from 4 submitters: Uncertain significance (4). Last evaluated 2024-10-03.

Conditions:
Familial adenomatous polyposis 1 (FAP1). Also called: FAMILIAL ADENOMATOUS POLYPOSIS 1, ATTENUATED; POLYPOSIS, ADENOMATOUS INTESTINAL. Identifiers: MedGen C2713442, MONDO:0021056, OMIM 175100. Disease mechanism: loss of function.
Hereditary cancer-predisposing syndrome. Also called: Neoplastic Syndromes, Hereditary; Tumor predisposition; Hereditary neoplastic syndrome; Hereditary Cancer Syndrome. Identifiers: Orphanet 140162, MedGen C0027672, MeSH D009386, MONDO:0015356.

Submissions (4):

Ambry Genetics
Classification: Uncertain significance for Hereditary cancer-predisposing syndrome. Last evaluated: 2024-10-03. Review status: criteria provided, single submitter. Criteria: Ambry Variant Classification Scheme 2023. Collection method: clinical testing. Allele origin: germline.
Comment: The p.T281P variant (also known as c.841A>C), located in coding exon 8 of the APC gene, results from an A to C substitution at nucleotide position 841. The threonine at codon 281 is replaced by proline, an amino acid with highly similar properties. This variant has been observed in at least one individual with a personal and/or family history that is consistent with APC-related familial adenomatous polyposis (Ambry internal data). This amino acid position is not well conserved in available vertebrate species. In addition, in silico predictors for this gene do not accurately predict pathogenicity. Missense alterations in APC are not a common cause of disease (Spier I et al. Genet Med. 2024 Feb;26(2):100992). Based on the available evidence, the clinical significance of this variant remains unclear.

Revvity Omics, Revvity
Classification: Uncertain significance. Last evaluated: 2022-11-10. Review status: criteria provided, single submitter. Criteria: ACMG Guidelines, 2015. Collection method: clinical testing. Allele origin: germline.

GeneDx
Classification: Uncertain significance. Last evaluated: 2022-08-29. Review status: criteria provided, single submitter. Criteria: GeneDx Variant Classification Process June 2021. Collection method: clinical testing. Allele origin: germline. Affected: yes.
Comment: Not observed at significant frequency in large population cohorts (gnomAD); In silico analysis supports that this missense variant does not alter protein structure/function; Has not been previously published as pathogenic or benign to our knowledge

Labcorp Genetics (formerly Invitae), Labcorp
Classification: Uncertain significance for Familial adenomatous polyposis 1. Last evaluated: 2021-09-19. Review status: criteria provided, single submitter. Criteria: Invitae Variant Classification Sherloc (09022015). Collection method: clinical testing. Allele origin: germline.
Comment: In summary, the available evidence is currently insufficient to determine the role of this variant in disease. Therefore, it has been classified as a Variant of Uncertain Significance. Algorithms developed to predict the effect of missense changes on protein structure and function (SIFT, PolyPhen-2, Align-GVGD) all suggest that this variant is likely to be tolerated. This variant has not been reported in the literature in individuals affected with APC-related conditions. This variant is not present in population databases (ExAC no frequency). This sequence change replaces threonine with proline at codon 281 of the APC protein (p.Thr281Pro). The threonine residue is weakly conserved and there is a small physicochemical difference between threonine and proline.